The following is an entry in ClinVar:

NM_004544.4(NDUFA10):c.577G>A (p.Val193Ile)

Gene: NDUFA10 (NADH:ubiquinone oxidoreductase subunit A10; minus strand). Cytogenetic location: 2q37.3.
Variant type: single nucleotide variant.
Coding change: c.577G>A on transcript NM_004544.4 (MANE Select); coding-DNA position 577, G replaced by A.
Protein change: p.Val193Ile; replaces valine 193 with isoleucine.
Molecular consequence: missense variant. On other transcripts: non-coding transcript variant (4).
Genome position (GRCh38, 1-based): chr2:240,014,831, C>T on the plus strand (G>A on the coding strand, the complement: NDUFA10 is on the minus strand). VCF-style: chr2-240014831-C-T. GRCh37 (hg19) VCF-style: chr2-240954248-C-T.
Other names: c.577G>A, p.Val193Ile (NM_001322019.2, NM_001322020.2, NM_001410987.1); short protein forms V193I.
Identifiers: ClinVar variation 2504715 (VCV002504715.2), dbSNP rs776939095, ClinGen allele CA2200954.
Genomic context (GRCh38, chr2:240,014,831, plus strand): 5'-CTGGAACGGGCACATCGATGTAAATCACCAGGTGGGGGGGCAGGTAATCGCAGATGGTGA[C>T]GCTCTTCACCTCGTTGTAGTGGTCCACACCTGGCACATAGGAGAAAGGGGCGCTGTCACC-3'
Protein context (NP_004535.1, residues 183-203): CVDHYNEVKS[Val193Ile]TICDYLPPHL

ClinVar aggregate classification (germline): Conflicting classifications of pathogenicity. Review status: criteria provided, conflicting classifications (1 of 4 stars). 2 submissions from 2 submitters: Uncertain significance (1); Likely benign (1). Last evaluated 2024-07-22.

Conditions:
Inborn genetic diseases. Identifiers: MedGen C0950123, MeSH D030342.

Allele frequency attached by ClinVar (database versions not stated): ExAC 0.00001; gnomAD 0.00002; TOPMed 0.00002.
gnomAD v4.1: 37 of 1,614,080 alleles (0.0023%); highest among the groups gnomAD compares: African/African-American, 0.011%; no homozygotes.

Submissions (2):

Ambry Genetics
Classification: Likely benign for Inborn genetic diseases. Last evaluated: 2024-07-22. Review status: criteria provided, single submitter. Criteria: Ambry Variant Classification Scheme 2023. Collection method: clinical testing. Allele origin: germline.

GeneDx
Classification: Uncertain significance. Last evaluated: 2022-12-06. Review status: criteria provided, single submitter. Criteria: GeneDx Variant Classification Process June 2021. Collection method: clinical testing. Allele origin: germline. Affected: yes.
Comment: Not observed at significant frequency in large population cohorts (gnomAD); In silico analysis supports that this missense variant does not alter protein structure/function; Has not been previously published as pathogenic or benign to our knowledge